The following is an entry in ClinVar:

ClinVar aggregate classification (germline): Conflicting classifications of pathogenicity. Review status: criteria provided, conflicting classifications (1 of 4 stars). 3 submissions from 3 submitters: Uncertain significance (1); Likely benign (1). 1 of the submissions does not count toward it. Last evaluated 2025-11-27.

Conditions:
HSPG2-related disorder. Also called: HSPG2-related condition; HSPG2-related disorders.

Allele frequency attached by ClinVar (database versions not stated): ExAC 0.00001; gnomAD exomes 0.00002 and 0.00004; 1000 Genomes Project 30x 0.00016; 1000 Genomes Project 0.00020; gnomAD 0.00027 and 0.00029; TOPMed 0.00079.
gnomAD v4.1: 73 of 1,614,092 alleles (0.0045%); highest among the groups gnomAD compares: Admixed American, 0.095%; no homozygotes.

Submissions (3):

Labcorp Genetics (formerly Invitae), Labcorp
Classification: Likely benign. Last evaluated: 2025-11-27. Review status: criteria provided, single submitter. Criteria: Invitae Variant Classification Sherloc (09022015). Collection method: clinical testing. Allele origin: germline.

Revvity Omics, Revvity
Classification: Uncertain significance. Last evaluated: 2019-05-03. Review status: criteria provided, single submitter. Criteria: ACMG Guidelines, 2015. Collection method: clinical testing. Allele origin: germline.

PreventionGenetics, part of Exact Sciences
Classification: Likely benign for HSPG2-related condition. Last evaluated: 2019-06-24. Review status: no assertion criteria provided. Collection method: clinical testing. Allele origin: germline. Not counted in ClinVar's aggregate classification.
Comment: This variant is classified as likely benign based on ACMG/AMP sequence variant interpretation guidelines (Richards et al. 2015 PMID: 25741868, with internal and published modifications).

NM_005529.7(HSPG2):c.11496C>T (p.Phe3832=)

Gene: HSPG2 (heparan sulfate proteoglycan 2; minus strand). Cytogenetic location: 1p36.12.
Variant type: single nucleotide variant.
Coding change: c.11496C>T on transcript NM_005529.7 (MANE Select); coding-DNA position 11496, C replaced by T.
Protein change: p.Phe3832=; no amino-acid change (phenylalanine 3832 retained).
Molecular consequence: synonymous variant.
Genome position (GRCh38, 1-based): chr1:21,831,281, G>A on the plus strand (C>T on the coding strand, the complement: HSPG2 is on the minus strand). VCF-style: chr1-21831281-G-A. GRCh37 (hg19) VCF-style: chr1-22157774-G-A.
Other names: c.11499C>T, p.Phe3833= (NM_001291860.2).
Identifiers: ClinVar variation 722529 (VCV000722529.15), dbSNP rs536882233, ClinGen allele CA669759.